The following is an entry in ClinVar:

ClinVar aggregate classification (germline): Uncertain significance (1 of 4 stars; one submission).

Conditions:
Hereditary cancer-predisposing syndrome. Also called: Neoplastic Syndromes, Hereditary; Tumor predisposition; Hereditary Cancer Syndrome; Hereditary neoplastic syndrome. Identifiers: Orphanet 140162, MedGen C0027672, MeSH D009386, MONDO:0015356.

Submission:

Ambry Genetics
Classification: Uncertain significance for Hereditary cancer-predisposing syndrome. Last evaluated: 2020-09-01. Review status: criteria provided, single submitter. Criteria: Ambry Variant Classification Scheme 2023. Collection method: clinical testing. Allele origin: germline.
Comment: The p.L300V variant (also known as c.898C>G), located in coding exon 6 of the FH gene, results from a C to G substitution at nucleotide position 898. The leucine at codon 300 is replaced by valine, an amino acid with highly similar properties. This amino acid position is highly conserved in available vertebrate species. In addition, this alteration is predicted to be deleterious by in silico analysis. Since supporting evidence is limited at this time, the clinical significance of this alteration remains unclear.

NM_000143.4(FH):c.898C>G (p.Leu300Val)

Gene: FH (fumarate hydratase; minus strand). Cytogenetic location: 1q43.
Variant type: single nucleotide variant.
Coding change: c.898C>G on transcript NM_000143.4 (MANE Select); coding-DNA position 898, C replaced by G.
Protein change: p.Leu300Val; replaces leucine 300 with valine.
Molecular consequence: missense variant.
Genome position (GRCh38, 1-based): chr1:241,506,009, G>C on the plus strand (C>G on the coding strand, the complement: FH is on the minus strand). VCF-style: chr1-241506009-G-C. GRCh37 (hg19) VCF-style: chr1-241669309-G-C.
Other names: short protein forms L300V.
Identifiers: ClinVar variation 1765343 (VCV001765343.2), dbSNP rs2527322747, ClinGen allele CA345438775.